The following is an entry in ClinVar:

ClinVar aggregate classification (germline): Uncertain significance (1 of 4 stars; one submission).

Conditions:
Charcot-Marie-Tooth disease axonal type 2O. Also called: CHARCOT-MARIE-TOOTH NEUROPATHY, AXONAL, TYPE 2O; CHARCOT-MARIE-TOOTH DISEASE, AXONAL, AUTOSOMAL DOMINANT, TYPE 2O; Charcot-Marie-Tooth Neuropathy Type 2O; Charcot-Marie-Tooth disease, axonal, type 20. Identifiers: Orphanet 284232, MedGen C3280220, MONDO:0013644, OMIM 614228.

Submission:

Labcorp Genetics (formerly Invitae), Labcorp
Classification: Uncertain significance for Charcot-Marie-Tooth disease axonal type 2O. Last evaluated: 2023-06-25. Review status: criteria provided, single submitter. Criteria: Invitae Variant Classification Sherloc (09022015). Collection method: clinical testing. Allele origin: germline.
Comment: In summary, the available evidence is currently insufficient to determine the role of this variant in disease. Therefore, it has been classified as a Variant of Uncertain Significance. Advanced modeling of protein sequence and biophysical properties (such as structural, functional, and spatial information, amino acid conservation, physicochemical variation, residue mobility, and thermodynamic stability) performed at Invitae indicates that this missense variant is not expected to disrupt DYNC1H1 protein function. This variant has not been reported in the literature in individuals affected with DYNC1H1-related conditions. This variant is not present in population databases (gnomAD no frequency). This sequence change replaces glutamine, which is neutral and polar, with glutamic acid, which is acidic and polar, at codon 4429 of the DYNC1H1 protein (p.Gln4429Glu).

NM_001376.5(DYNC1H1):c.13285C>G (p.Gln4429Glu)

Gene: DYNC1H1 (dynein cytoplasmic 1 heavy chain 1; plus strand). Cytogenetic location: 14q32.31.
Variant type: single nucleotide variant.
Coding change: c.13285C>G on transcript NM_001376.5 (MANE Select); coding-DNA position 13285, C replaced by G.
Protein change: p.Gln4429Glu; replaces glutamine 4429 with glutamic acid.
Molecular consequence: missense variant.
Genome position (GRCh38, 1-based): chr14:102,048,582, C>G. VCF-style: chr14-102048582-C-G. GRCh37 (hg19) VCF-style: chr14-102514919-C-G.
Other names: short protein forms Q4429E.
Identifiers: ClinVar variation 2728466 (VCV002728466.3), dbSNP rs2503883960, ClinGen allele CA391048112.